The following is an entry in ClinVar:

NM_001349798.2(FBXW7):c.37C>T (p.Arg13Ter)

Gene: FBXW7 (F-box and WD repeat domain containing 7; minus strand). Cytogenetic location: 4q31.3.
Variant type: single nucleotide variant.
Coding change: c.37C>T on transcript NM_001349798.2 (MANE Select); coding-DNA position 37, C replaced by T.
Protein change: p.Arg13Ter; replaces arginine 13 with a stop codon.
Molecular consequence: nonsense.
Genome position (GRCh38, 1-based): chr4:152,411,767, G>A on the plus strand (C>T on the coding strand, the complement: FBXW7 is on the minus strand). VCF-style: chr4-152411767-G-A. GRCh37 (hg19) VCF-style: chr4-153332919-G-A.
Other names: c.37C>T, p.Arg13Ter (NM_001257069.1, NM_033632.3); short protein forms R13*.
Identifiers: ClinVar variation 2633982 (VCV002633982.1), dbSNP rs781123562, ClinGen allele CA108595474.

ClinVar aggregate classification (germline): Uncertain significance (1 of 4 stars; one submission).

Conditions:
FBXW7-related disorder. Also called: FBXW7-related condition; FBXW7-related disorders.

Allele frequency attached by ClinVar (database versions not stated): gnomAD exomes below 0.00001.
gnomAD v4.1: 2 of 1,612,920 alleles (0.00012%); highest among the groups gnomAD compares: Non-Finnish European, 0.000085%; no homozygotes.

Submission:

PreventionGenetics, part of Exact Sciences
Classification: Uncertain significance for FBXW7-related condition. Last evaluated: 2023-09-23. Review status: criteria provided, single submitter. Criteria: ACMG Guidelines, 2015. Collection method: clinical testing. Allele origin: germline.
Comment: The FBXW7 c.37C>T variant is predicted to result in premature protein termination (p.Arg13*). To our knowledge, this variant has not been reported in the literature. This variant is reported in 1 out of ~ 249518 alleles in gnomAD. This variant is located at the 5’ of the gene; and to our knowledge, no loss-of-function variants upstream of this variant have been reported in the literature. At this time, the clinical significance of this variant is uncertain due to the absence of conclusive functional and genetic evidence.